The following is an entry in ClinVar:

ClinVar aggregate classification (germline): Uncertain significance (1 of 4 stars; one submission).

Conditions:
Ehlers-Danlos syndrome, kyphoscoliotic type 1 (EDSKSCL1). Also called: EHLERS-DANLOS SYNDROME, TYPE VIA; EHLERS-DANLOS SYNDROME, OCULAR-SCOLIOTIC TYPE; Ehlers-Danlos syndrome, hydroxylysine-deficient; PLOD1-Related Kyphoscoliotic Ehlers-Danlos Syndrome. Identifiers: Orphanet 1900, MedGen C0268342, MONDO:0016002, OMIM 225400. Disease mechanism: loss of function.

Allele frequency attached by ClinVar (database versions not stated): TOPMed below 0.00001.

Submission:

Labcorp Genetics (formerly Invitae), Labcorp
Classification: Uncertain significance for Ehlers-Danlos syndrome, kyphoscoliotic type 1. Last evaluated: 2019-01-29. Review status: criteria provided, single submitter. Criteria: Invitae Variant Classification Sherloc (09022015). Collection method: clinical testing. Allele origin: germline.
Comment: In summary, the available evidence is currently insufficient to determine the role of this variant in disease. Therefore, it has been classified as a Variant of Uncertain Significance. Algorithms developed to predict the effect of missense changes on protein structure and function are either unavailable or do not agree on the potential impact of this missense change (SIFT: "Deleterious"; PolyPhen-2: "Possibly Damaging"; Align-GVGD: "Class C0"). This variant has not been reported in the literature in individuals with PLOD1-related conditions. This variant is not present in population databases (ExAC no frequency). This sequence change replaces glycine with aspartic acid at codon 630 of the PLOD1 protein (p.Gly630Asp). The glycine residue is highly conserved and there is a moderate physicochemical difference between glycine and aspartic acid.

NM_000302.4(PLOD1):c.1889G>A (p.Gly630Asp)

Gene: PLOD1 (procollagen-lysine,2-oxoglutarate 5-dioxygenase 1; plus strand). Cytogenetic location: 1p36.22.
Variant type: single nucleotide variant.
Coding change: c.1889G>A on transcript NM_000302.4 (MANE Select); coding-DNA position 1889, G replaced by A.
Protein change: p.Gly630Asp; replaces glycine 630 with aspartic acid.
Molecular consequence: missense variant.
Genome position (GRCh38, 1-based): chr1:11,970,803, G>A. VCF-style: chr1-11970803-G-A. GRCh37 (hg19) VCF-style: chr1-12030860-G-A.
Other names: c.2030G>A, p.Gly677Asp (NM_001316320.2); short protein forms G677D, G630D.
Identifiers: ClinVar variation 843536 (VCV000843536.10), dbSNP rs1645857603, ClinGen allele CA338450904.